The following is an entry in ClinVar:

NM_016204.4(GDF2):c.1135del (p.Leu379fs)

Gene: GDF2 (growth differentiation factor 2; plus strand). Cytogenetic location: 10q11.22.
Variant type: Deletion.
Coding change: c.1135del on transcript NM_016204.4 (MANE Select); coding-DNA position 1135, one base deleted (C; older notation c.1135delC).
Protein change: p.Leu379fs; shifts the reading frame from leucine 379.
Molecular consequence: frameshift variant.
Genome position (GRCh38, 1-based): chr10:47,325,629, C deleted; the last of 3 consecutive C bases (chr10:47,325,627-47,325,629); deleting any one gives the same sequence. VCF-style (leftmost placement, unchanged base first): chr10-47325626-AC-A. GRCh37 (hg19) VCF-style: chr10-48413732-AG-A.
Other names: short protein forms L379fs.
Identifiers: ClinVar variation 1408617 (VCV001408617.9), dbSNP rs1259967380, ClinGen allele CA376658084.
Genomic context (GRCh38, chr10:47,325,626, plus strand): 5'-GGCGGCTGCTTCTTCCCCTTGGCTGACGATGTGACGCCGACGAAACACGCTATCGTGCAG[AC>A]CCTGGTGCATCTCAAGTTCCCCACAAAGGTGGGCAAGGCCTGCTGTGTGCCCACCAAACT-3'

ClinVar aggregate classification (germline): Conflicting classifications of pathogenicity. Review status: criteria provided, conflicting classifications (1 of 4 stars). 2 submissions from 2 submitters: Pathogenic (1); Uncertain significance (1). Last evaluated 2023-08-14.

Conditions:
Telangiectasia, hereditary hemorrhagic, type 5 (HHT5). Identifiers: Orphanet 774, MedGen C3809710, MONDO:0014217, OMIM 615506.

Submissions (2):

Labcorp Genetics (formerly Invitae), Labcorp
Classification: Pathogenic for Telangiectasia, hereditary hemorrhagic, type 5. Last evaluated: 2023-08-14. Review status: criteria provided, single submitter. Criteria: Invitae Variant Classification Sherloc (09022015). Collection method: clinical testing. Allele origin: germline.
Comment: This sequence change creates a premature translational stop signal (p.Leu379Trpfs*20) in the GDF2 gene. While this is not anticipated to result in nonsense mediated decay, it is expected to disrupt the last 51 amino acid(s) of the GDF2 protein. This variant is not present in population databases (gnomAD no frequency). This premature translational stop signal has been observed in individual(s) with clinical features of pulmonary arterial hypertension (PMID: 31727138). ClinVar contains an entry for this variant (Variation ID: 1408617). This variant disrupts a region of the GDF2 protein in which other variant(s) (p.Val423Met) have been determined to be pathogenic (PMID: 30578397, 31727138). This suggests that this is a clinically significant region of the protein, and that variants that disrupt it are likely to be disease-causing. For these reasons, this variant has been classified as Pathogenic.

Breakthrough Genomics
Classification: Uncertain significance. Review status: criteria provided, single submitter. Criteria: ACMG Guidelines, 2015. Collection method: not provided. Allele origin: germline. Inheritance: Autosomal dominant inheritance. Affected: yes.

Literature cited by the submitters: PubMed 31727138 (cited by Labcorp Genetics (formerly Invitae), Labcorp); PubMed 30578397 (cited by Labcorp Genetics (formerly Invitae), Labcorp).